The following is an entry in ClinVar:

NM_001001331.4(ATP2B2):c.46A>G (p.Asn16Asp)

Gene: ATP2B2 (ATPase plasma membrane Ca2+ transporting 2; minus strand). Cytogenetic location: 3p25.3.
Variant type: single nucleotide variant.
Coding change: c.46A>G on transcript NM_001001331.4 (MANE Select); coding-DNA position 46, A replaced by G.
Protein change: p.Asn16Asp; replaces asparagine 16 with aspartic acid.
Molecular consequence: missense variant.
Genome position (GRCh38, 1-based): chr3:10,449,498, T>C on the plus strand (A>G on the coding strand, the complement: ATP2B2 is on the minus strand). VCF-style: chr3-10449498-T-C. GRCh37 (hg19) VCF-style: chr3-10491182-T-C.
Other names: c.46A>G, p.Asn16Asp (NM_001330611.3, NM_001353564.1, NM_001363862.1 and 3 more transcripts); short protein forms N16D.
Identifiers: ClinVar variation 4996526 (VCV004996526.1).
Genomic context (GRCh38, chr3:10,449,498, plus strand): 5'-CCATGAGGGAGCGGAGCTCCTCCATTGTGCACCCGAACTCGCCCCCATGGCTCGACTCAT[T>C]TCTTTGGTTTTTGGAGTAAAAGTCGCTGTTGGTCATGTCACCCATGTTTGCTGCGGTCCT-3'
Protein context (NP_001001331.1, residues 6-26): NSDFYSKNQR[Asn16Asp]ESSHGGEFGC

ClinVar aggregate classification (germline): Uncertain significance (1 of 4 stars; one submission).

Conditions:
ATP2B2-related disorder. Also called: ATP2B2-related condition.

Submission:

PreventionGenetics, part of Exact Sciences
Classification: Uncertain significance for ATP2B2-related condition. Last evaluated: 2026-01-02. Review status: criteria provided, single submitter. Criteria: ACMG Guidelines, 2015. Collection method: clinical testing. Allele origin: germline.
Comment: The ATP2B2 c.46A>G variant is predicted to result in the amino acid substitution p.Asn16Asp. To our knowledge, this variant has not been reported in the literature or in a large population database (gnomAD), indicating this variant is rare. At this time, the clinical significance of this variant is uncertain due to the absence of conclusive functional and genetic evidence.